The following is an entry in ClinVar:

ClinVar aggregate classification (germline): Uncertain significance. Review status: criteria provided, multiple submitters, no conflicts (2 of 4 stars). 2 submissions from 2 submitters: Uncertain significance (2). Last evaluated 2025-09-01.

Conditions:
Inborn genetic diseases. Identifiers: MedGen C0950123, MeSH D030342.

gnomAD v4.1: 4 of 1,557,612 alleles (0.00026%); highest among the groups gnomAD compares: Admixed American, 0.0056%; no homozygotes.

Submissions (2):

Ambry Genetics
Classification: Uncertain significance for Inborn genetic diseases. Last evaluated: 2025-09-01. Review status: criteria provided, single submitter. Criteria: Ambry Variant Classification Scheme 2023. Collection method: clinical testing. Allele origin: germline.

Labcorp Genetics (formerly Invitae), Labcorp
Classification: Uncertain significance. Last evaluated: 2024-09-18. Review status: criteria provided, single submitter. Criteria: Invitae Variant Classification Sherloc (09022015). Collection method: clinical testing. Allele origin: germline.
Comment: This sequence change replaces alanine, which is neutral and non-polar, with proline, which is neutral and non-polar, at codon 642 of the DVL1 protein (p.Ala642Pro). This variant is present in population databases (no rsID available, gnomAD no frequency). This variant has not been reported in the literature in individuals affected with DVL1-related conditions. Invitae Evidence Modeling of protein sequence and biophysical properties (such as structural, functional, and spatial information, amino acid conservation, physicochemical variation, residue mobility, and thermodynamic stability) indicates that this missense variant is not expected to disrupt DVL1 protein function with a negative predictive value of 80%. In summary, the available evidence is currently insufficient to determine the role of this variant in disease. Therefore, it has been classified as a Variant of Uncertain Significance.

NM_001330311.2(DVL1):c.1999G>C (p.Ala667Pro)

Gene: DVL1 (dishevelled segment polarity protein 1; minus strand). Cytogenetic location: 1p36.33.
Variant type: single nucleotide variant.
Coding change: c.1999G>C on transcript NM_001330311.2 (MANE Select); coding-DNA position 1999, G replaced by C.
Protein change: p.Ala667Pro; replaces alanine 667 with proline.
Molecular consequence: missense variant.
Genome position (GRCh38, 1-based): chr1:1,336,231, C>G on the plus strand (G>C on the coding strand, the complement: DVL1 is on the minus strand). VCF-style: chr1-1336231-C-G. GRCh37 (hg19) VCF-style: chr1-1271611-C-G.
Other names: c.1924G>C, p.Ala642Pro (NM_004421.3); c.1924G>C (NM_004421.2); short protein forms A642P, A667P.
Identifiers: ClinVar variation 3629024 (VCV003629024.3).